The following is an entry in ClinVar:

ClinVar aggregate classification (germline): Uncertain significance (1 of 4 stars; one submission).

Allele frequency attached by ClinVar (database versions not stated): gnomAD exomes 0.00001; ExAC 0.00002; gnomAD 0.00002.
gnomAD v4.1: 20 of 1,614,026 alleles (0.0012%); highest among the groups gnomAD compares: Admixed American, 0.015%; no homozygotes.

Submission:

Labcorp Genetics (formerly Invitae), Labcorp
Classification: Uncertain significance. Last evaluated: 2024-01-04. Review status: criteria provided, single submitter. Criteria: Invitae Variant Classification Sherloc (09022015). Collection method: clinical testing. Allele origin: germline.
Comment: This sequence change replaces arginine, which is basic and polar, with histidine, which is basic and polar, at codon 1196 of the COL4A2 protein (p.Arg1196His). This variant is present in population databases (rs772620582, gnomAD 0.006%). This variant has not been reported in the literature in individuals affected with COL4A2-related conditions. Advanced modeling of protein sequence and biophysical properties (such as structural, functional, and spatial information, amino acid conservation, physicochemical variation, residue mobility, and thermodynamic stability) performed at Invitae indicates that this missense variant is not expected to disrupt COL4A2 protein function with a negative predictive value of 95%. In summary, the available evidence is currently insufficient to determine the role of this variant in disease. Therefore, it has been classified as a Variant of Uncertain Significance.

NM_001846.4(COL4A2):c.3587G>A (p.Arg1196His)

Gene: COL4A2 (collagen type IV alpha 2 chain; plus strand). Cytogenetic location: 13q34.
Variant type: single nucleotide variant.
Coding change: c.3587G>A on transcript NM_001846.4 (MANE Select); coding-DNA position 3587, G replaced by A.
Protein change: p.Arg1196His; replaces arginine 1196 with histidine.
Molecular consequence: missense variant.
Genome position (GRCh38, 1-based): chr13:110,493,235, G>A. VCF-style: chr13-110493235-G-A. GRCh37 (hg19) VCF-style: chr13-111145582-G-A.
Other names: short protein forms R1196H.
Identifiers: ClinVar variation 3015519 (VCV003015519.3), dbSNP rs772620582, ClinGen allele CA7050257.